The following is an entry in ClinVar:

ClinVar aggregate classification (germline): Likely benign. Review status: criteria provided, multiple submitters, no conflicts (2 of 4 stars). 2 submissions from 2 submitters: Likely benign (2). Last evaluated 2026-02-04.

Submissions (2):

Labcorp Genetics (formerly Invitae), Labcorp
Classification: Likely benign. Last evaluated: 2026-02-04. Review status: criteria provided, single submitter. Criteria: Invitae Variant Classification Sherloc (09022015). Collection method: clinical testing. Allele origin: germline.

Mayo Clinic Laboratories, Mayo Clinic
Classification: Likely benign. Last evaluated: 2025-03-12. Review status: criteria provided, single submitter. Criteria: ACMG Guidelines, 2015. Collection method: clinical testing. Allele origin: germline. Observed: 19 variant alleles.
Comment: BP4, BP7

NM_001378457.1(DMXL2):c.88-15_88-3dup

Gene: DMXL2 (Dmx like 2; minus strand). Cytogenetic location: 15q21.2.
Variant type: Duplication.
Coding change: c.88-15_88-3dup on transcript NM_001378457.1 (MANE Select); 15 bases into the intron before coding-DNA position 88 through 3 bases into the intron before coding-DNA position 88, 13 bases duplicated (TTTTTTTTTTTTT).
Molecular consequence: intron variant.
Genome position (GRCh38, 1-based): chr15:51,576,184-51,576,196, AAAAAAAAAAAAA duplicated on the plus strand (TTTTTTTTTTTTT on the coding strand, the reverse complement: DMXL2 is on the minus strand); duplicating any 13 consecutive bases within chr15:51,576,184-51,576,203 gives the same sequence; the c. name uses the placement nearest the transcript's 3' end. VCF-style (leftmost placement, unchanged base first): chr15-51576183-T-TAAAAAAAAAAAAA. GRCh37 (hg19) VCF-style: chr15-51868380-T-TAAAAAAAAAAAAA.
Other names: p.?; c.88-15_88-3dup (NM_001378460.1, NM_001174117.3, NM_015263.5 and 8 more transcripts).
Identifiers: ClinVar variation 1633167 (VCV001633167.9), dbSNP rs3078066, ClinGen allele CA7562936.